The following is an entry in ClinVar:

NM_002485.5(NBN):c.407G>A (p.Gly136Glu)

Gene: NBN (nibrin; minus strand). Cytogenetic location: 8q21.3.
Variant type: single nucleotide variant.
Coding change: c.407G>A on transcript NM_002485.5 (MANE Select); coding-DNA position 407, G replaced by A.
Protein change: p.Gly136Glu; replaces glycine 136 with glutamic acid.
Molecular consequence: missense variant.
Genome position (GRCh38, 1-based): chr8:89,980,807, C>T on the plus strand (G>A on the coding strand, the complement: NBN is on the minus strand). VCF-style: chr8-89980807-C-T. GRCh37 (hg19) VCF-style: chr8-90993035-C-T.
Other names: c.161G>A, p.Gly54Glu (NM_001024688.3); short protein forms G136E, G54E.
Identifiers: ClinVar variation 1045891 (VCV001045891.12), dbSNP rs1812025943, ClinGen allele CA371661859.

ClinVar aggregate classification (germline): Uncertain significance. Review status: criteria provided, single submitter (1 of 4 stars). 2 submissions from 2 submitters: Uncertain significance (1). 1 of the submissions does not count toward it. Last evaluated 2020-12-13.

Conditions:
Microcephaly, normal intelligence and immunodeficiency (NBS). Also called: Nijmegen breakage syndrome; Microcephaly with normal intelligence immunodeficiency and lymphoreticular malignancies; Nonsyndromal microcephaly autosomal recessive with normal intelligence; Seemanova syndrome 2; Ataxia telangiectasia variant V1; SEEMANOVA SYNDROME II. Identifiers: Orphanet 647, MedGen C0398791, MONDO:0009623, OMIM 251260.

Submissions (2):

Labcorp Genetics (formerly Invitae), Labcorp
Classification: Uncertain significance for Microcephaly, normal intelligence and immunodeficiency. Last evaluated: 2020-12-13. Review status: criteria provided, single submitter. Criteria: Invitae Variant Classification Sherloc (09022015). Collection method: clinical testing. Allele origin: germline.
Comment: In summary, the available evidence is currently insufficient to determine the role of this variant in disease. Therefore, it has been classified as a Variant of Uncertain Significance. Algorithms developed to predict the effect of missense changes on protein structure and function are either unavailable or do not agree on the potential impact of this missense change (SIFT: "Deleterious"; PolyPhen-2: "Probably Damaging"; Align-GVGD: "Class C0"). This variant has not been reported in the literature in individuals with NBN-related conditions. This variant is not present in population databases (ExAC no frequency). This sequence change replaces glycine with glutamic acid at codon 136 of the NBN protein (p.Gly136Glu). The glycine residue is highly conserved and there is a moderate physicochemical difference between glycine and glutamic acid.

Natera, Inc.
Classification: Uncertain significance for Nijmegen breakage syndrome. Last evaluated: 2020-11-23. Review status: no assertion criteria provided. Collection method: clinical testing. Allele origin: germline. Not counted in ClinVar's aggregate classification.